The following is an entry in ClinVar:

ClinVar aggregate classification (germline): Pathogenic (1 of 4 stars; one submission).

Submission:

GeneDx
Classification: Pathogenic. Last evaluated: 2017-02-16. Review status: criteria provided, single submitter. Criteria: GeneDx Variant Classification (06012015). Collection method: clinical testing. Allele origin: germline. Affected: yes.
Comment: The K50X variant in the DDX3X gene has not been reported previously as a pathogenic variant nor as a benign variant, to our knowledge. This variant is predicted to cause loss of normal protein function either through protein truncation or nonsense-mediated mRNA decay. The K50X variant is not observed in large population cohorts (Lek et al., 2016; 1000 Genomes Consortium et al., 2015; Exome Variant Server). We interpret K50X as a pathogenic variant.

NM_001356.5(DDX3X):c.148A>T (p.Lys50Ter)

Gene: DDX3X (DEAD-box helicase 3 X-linked; plus strand). Cytogenetic location: Xp11.4.
Variant type: single nucleotide variant.
Coding change: c.148A>T on transcript NM_001356.5 (MANE Select); coding-DNA position 148, A replaced by T.
Protein change: p.Lys50Ter; replaces lysine 50 with a stop codon.
Molecular consequence: nonsense. On other transcripts: 5 prime UTR variant (1), non-coding transcript variant (1), intron variant (1).
Genome position (GRCh38, 1-based): chrX:41,339,080, A>T. VCF-style: chrX-41339080-A-T. GRCh37 (hg19) VCF-style: chrX-41198333-A-T.
Other names: c.148A>T, p.Lys50Ter (NM_001193416.3); c.-411A>T (NM_001363819.1); c.103+1615A>T (NM_001193417.3); short protein forms K50*.
Identifiers: ClinVar variation 423362 (VCV000423362.2), dbSNP rs1064796382, ClinGen allele CA16621379.
Genomic context (GRCh38, chrX:41,339,080, plus strand): 5'-ATATATATTTTTTTAGAAGGGCGCTATATTCCTCCTCATTTAAGGAACCGAGAAGCTACT[A>T]AAGGTAGGTCCTCACAAGTAACTTCGTAGGTCTATTTTTTGCCTCCTTTAGAAGTTAGTA-3'